The following is an entry in ClinVar:

NM_016203.4(PRKAG2):c.1006G>T (p.Val336Leu)

Gene: PRKAG2 (protein kinase AMP-activated non-catalytic subunit gamma 2; minus strand). Cytogenetic location: 7q36.1.
Variant type: single nucleotide variant.
Coding change: c.1006G>T on transcript NM_016203.4 (MANE Select); coding-DNA position 1006, G replaced by T.
Protein change: p.Val336Leu; replaces valine 336 with leucine.
Molecular consequence: missense variant.
Genome position (GRCh38, 1-based): chr7:151,572,709, C>A on the plus strand (G>T on the coding strand, the complement: PRKAG2 is on the minus strand). VCF-style: chr7-151572709-C-A. GRCh37 (hg19) VCF-style: chr7-151269795-C-A.
Other names: c.283G>T, p.Val95Leu (NM_024429.2, NM_001304531.2); c.874G>T, p.Val292Leu (NM_001040633.2); c.631G>T, p.Val211Leu (NM_001304527.2); c.634G>T, p.Val212Leu (NM_001363698.2); short protein forms V211L, V212L, V292L, V336L, V95L.
Identifiers: ClinVar variation 1198481 (VCV001198481.14), dbSNP rs727504707, ClinGen allele CA370072202.
Genomic context (GRCh38, chr7:151,572,709, plus strand): 5'-TCCAATAGTGCTTACCCCTCCATGTTTCAATTTTATGTTCCTCTAATTCATAAATCTGTA[C>A]CTGCAAATAAAAAAATTCTTATTTATAAATATACATATACAACATAGAAAAAATATTTGG-3'
Protein context (NP_057287.2, residues 326-346): ILHRYYKSPM[Val336Leu]QIYELEEHKI

ClinVar aggregate classification (germline): Conflicting classifications of pathogenicity. Review status: criteria provided, conflicting classifications (1 of 4 stars). 3 submissions from 3 submitters: Pathogenic (1); Uncertain significance (2). Last evaluated 2026-07-15.

Conditions:
Cardiovascular phenotype. Identifiers: MedGen CN230736.
Lethal congenital glycogen storage disease of heart. Also called: GLYCOGEN STORAGE DISEASE OF HEART; PHOSPHORYLASE KINASE DEFICIENCY OF HEART. Identifiers: Orphanet 439854, MedGen C1849813, MONDO:0009867, OMIM 261740.

Submissions (3):

Ambry Genetics
Classification: Uncertain significance for Cardiovascular phenotype. Last evaluated: 2026-07-15. Review status: criteria provided, single submitter. Criteria: Ambry Variant Classification Scheme 2023. Collection method: clinical testing. Allele origin: germline.
Comment: The p.V336L variant (also known as c.1006G>T) is located in coding exon 9 of the PRKAG2 gene. The valine at codon 336 is replaced by leucine, an amino acid with highly similar properties. This change occurs in the first base pair of coding exon 9. This variant has been reported in families with PRKAG2-related disease and has shown segregation with disease in some family members (Yang KQ et al. Sci Rep, 2017 May;7:2407; Micaglio E et al. Int J Mol Sci, 2024 Aug;25:). This amino acid position is highly conserved in available vertebrate species. In addition, this alteration is predicted to be deleterious by in silico analysis. Based on the available evidence, the clinical significance of this variant remains unclear.

Labcorp Genetics (formerly Invitae), Labcorp
Classification: Pathogenic for Lethal congenital glycogen storage disease of heart. Last evaluated: 2026-01-14. Review status: criteria provided, single submitter. Criteria: Invitae Variant Classification Sherloc (09022015). Collection method: clinical testing. Allele origin: germline.
Comment: This sequence change replaces valine, which is neutral and non-polar, with leucine, which is neutral and non-polar, at codon 336 of the PRKAG2 protein (p.Val336Leu). This variant is not present in population databases (gnomAD no frequency). This missense change has been observed in individuals with PRKAG2-related conditions (PMID: 28546535, 32646569). It has also been observed to segregate with disease in related individuals. ClinVar contains an entry for this variant (Variation ID: 1198481). Invitae Evidence Modeling of protein sequence and biophysical properties (such as structural, functional, and spatial information, amino acid conservation, physicochemical variation, residue mobility, and thermodynamic stability) has been performed for this missense variant. However, the output from this modeling did not meet the statistical confidence thresholds required to predict the impact of this variant on PRKAG2 protein function. Algorithms developed to predict the effect of sequence changes on RNA splicing suggest that this variant may disrupt the consensus splice site. This variant disrupts the p.Val336 amino acid residue in PRKAG2. Other variant(s) that disrupt this residue have been determined to be pathogenic (PMID: 28431061; internal data). This suggests that this residue is clinically significant, and that variants that disrupt this residue are likely to be disease-causing. For these reasons, this variant has been classified as Pathogenic.

GeneDx
Classification: Uncertain significance. Last evaluated: 2023-01-31. Review status: criteria provided, single submitter. Criteria: GeneDx Variant Classification Process June 2021. Collection method: clinical testing. Allele origin: germline. Affected: yes.
Comment: Not observed in large population cohorts (gnomAD); In silico analysis supports that this missense variant has a deleterious effect on protein structure/function; In silico analysis is inconclusive as to whether the variant alters gene splicing. In the absence of RNA/functional studies, the actual effect of this sequence change is unknown.; This variant is associated with the following publications: (PMID: 28546535, 32646569)

Literature cited by the submitters: PubMed 28546535 (cited by Ambry Genetics and Labcorp Genetics (formerly Invitae), Labcorp); PubMed 39273120 (cited by Ambry Genetics); PubMed 40149727 (cited by Ambry Genetics); PubMed 32646569 (cited by Labcorp Genetics (formerly Invitae), Labcorp); PubMed 28431061 (cited by Labcorp Genetics (formerly Invitae), Labcorp).